The following is an entry in ClinVar:

ClinVar aggregate classification (germline): Pathogenic (1 of 4 stars; one submission).

Conditions:
Familial thoracic aortic aneurysm and aortic dissection (TAAD). Also called: Thoracic aortic aneurysms and dissections. Identifiers: Orphanet 91387, MedGen C4707243, MONDO:0019625.

Submission:

Labcorp Genetics (formerly Invitae), Labcorp
Classification: Pathogenic for Familial thoracic aortic aneurysm and aortic dissection. Last evaluated: 2025-04-17. Review status: criteria provided, single submitter. Criteria: Invitae Variant Classification Sherloc (09022015). Collection method: clinical testing. Allele origin: germline.
Comment: This sequence change creates a premature translational stop signal (p.Trp409*) in the TGFBR1 gene. It is expected to result in an absent or disrupted protein product. Loss-of-function variants in TGFBR1 are known to be pathogenic (PMID: 21358634). This variant is not present in population databases (gnomAD no frequency). This variant has not been reported in the literature in individuals affected with TGFBR1-related conditions. Algorithms developed to predict the effect of sequence changes on RNA splicing suggest that this variant may disrupt the consensus splice site. For these reasons, this variant has been classified as Pathogenic.

Literature cited by the submitters: PubMed 21358634.

NM_004612.4(TGFBR1):c.1226G>A (p.Trp409Ter)

Gene: TGFBR1 (transforming growth factor beta receptor 1; plus strand). Cytogenetic location: 9q22.33.
Variant type: single nucleotide variant.
Coding change: c.1226G>A on transcript NM_004612.4 (MANE Select); coding-DNA position 1226, G replaced by A.
Protein change: p.Trp409Ter; replaces tryptophan 409 with a stop codon.
Molecular consequence: nonsense. On other transcripts: non-coding transcript variant (1).
Genome position (GRCh38, 1-based): chr9:99,146,580, G>A. VCF-style: chr9-99146580-G-A. GRCh37 (hg19) VCF-style: chr9-101908862-G-A.
Other names: c.995G>A, p.Trp332Ter (NM_001130916.3, NM_001407435.1); c.1238G>A, p.Trp413Ter (NM_001306210.2); c.1070G>A, p.Trp357Ter (NM_001407416.1); c.1058G>A, p.Trp353Ter (NM_001407417.1); c.1031G>A, p.Trp344Ter (NM_001407418.1, NM_001407419.1, NM_001407420.1 and 1 more transcripts); c.1019G>A, p.Trp340Ter (NM_001407423.1, NM_001407424.1, NM_001407425.1 and 8 more transcripts); c.980G>A, p.Trp327Ter (NM_001407436.1); c.518G>A, p.Trp173Ter (NM_001407437.1); and 1 more; short protein forms W250*, W357*, W413*, W173*, W340*, W327*, W332*, W353*.
Identifiers: ClinVar variation 4717644 (VCV004717644.1).
Genomic context (GRCh38, chr9:99,146,580, plus strand): 5'-ATATGAAACATTTTGAATCCTTCAAACGTGCTGACATCTATGCAATGGGCTTAGTATTCT[G>A]GGAAATTGCTCGACGATGTTCCATTGGTGGTAAATTGCTCTCCTCTCCCCCAGTAGTTTG-3'